The following is an entry in ClinVar:

ClinVar aggregate classification (germline): Uncertain significance (1 of 4 stars; one submission).

Conditions:
MHC class I deficiency. Identifiers: Orphanet 34592, MedGen C6024714, MONDO:0011476.

gnomAD v4.1: 1 of 1,613,884 alleles (0.000062%); highest among the groups gnomAD compares: Admixed American, 0.0017%; no homozygotes.

Submission:

Labcorp Genetics (formerly Invitae), Labcorp
Classification: Uncertain significance for MHC class I deficiency 1. Last evaluated: 2024-08-08. Review status: criteria provided, single submitter. Criteria: Invitae Variant Classification Sherloc (09022015). Collection method: clinical testing. Allele origin: germline.
Comment: This sequence change replaces serine, which is neutral and polar, with arginine, which is basic and polar, at codon 134 of the TAPBP protein (p.Ser134Arg). This variant is present in population databases (no rsID available, gnomAD 0.003%). This variant has not been reported in the literature in individuals affected with TAPBP-related conditions. An algorithm developed to predict the effect of missense changes on protein structure and function outputs the following: PolyPhen-2: "Benign". The arginine amino acid residue is found in multiple mammalian species, which suggests that this missense change does not adversely affect protein function. In summary, the available evidence is currently insufficient to determine the role of this variant in disease. Therefore, it has been classified as a Variant of Uncertain Significance.

NM_003190.5(TAPBP):c.402C>G (p.Ser134Arg)

Gene: TAPBP (TAP binding protein; minus strand). Cytogenetic location: 6p21.32.
Variant type: single nucleotide variant.
Coding change: c.402C>G on transcript NM_003190.5 (MANE Select); coding-DNA position 402, C replaced by G.
Protein change: p.Ser134Arg; replaces serine 134 with arginine.
Molecular consequence: missense variant. On other transcripts: intron variant (1).
Genome position (GRCh38, 1-based): chr6:33,313,284, G>C on the plus strand (C>G on the coding strand, the complement: TAPBP is on the minus strand). VCF-style: chr6-33313284-G-C. GRCh37 (hg19) VCF-style: chr6-33281061-G-C.
Other names: c.402C>G, p.Ser134Arg (NM_001410875.1, NM_172208.3); c.208+410C>G (NM_172209.3); short protein forms S134R.
Identifiers: ClinVar variation 3630063 (VCV003630063.2).